The following is an entry in ClinVar:

ClinVar aggregate classification (germline): Pathogenic (1 of 4 stars; one submission).

Conditions:
ALG6-congenital disorder of glycosylation 1C (CDG1C). Also called: CARBOHYDRATE-DEFICIENT GLYCOPROTEIN SYNDROME, TYPE I, WITH DEFICIENT GLYCOSYLATION OF DOLICHOL-LINKED OLIGOSACCHARIDE; CARBOHYDRATE-DEFICIENT GLYCOPROTEIN SYNDROME, TYPE V; CDG Ic; Congenital disorder of glycosylation type 1C; Congenital disorder of glycosylation, type Ic. Identifiers: Orphanet 79320, MedGen C2930997, MONDO:0011291, OMIM 603147.

Submission:

Labcorp Genetics (formerly Invitae), Labcorp
Classification: Pathogenic for ALG6-congenital disorder of glycosylation 1C. Last evaluated: 2021-09-30. Review status: criteria provided, single submitter. Criteria: Invitae Variant Classification Sherloc (09022015). Collection method: clinical testing. Allele origin: germline.
Comment: This sequence change creates a premature translational stop signal (p.Gly162Glufs*6) in the ALG6 gene. It is expected to result in an absent or disrupted protein product. Loss-of-function variants in ALG6 are known to be pathogenic (PMID: 19862844). This variant is not present in population databases (ExAC no frequency). This variant has not been reported in the literature in individuals affected with ALG6-related conditions. For these reasons, this variant has been classified as Pathogenic.

Literature cited by the submitters: PubMed 19862844.

NM_013339.4(ALG6):c.484_485insA (p.Gly162fs)

Gene: ALG6 (ALG6 alpha-1,3-glucosyltransferase; plus strand). Cytogenetic location: 1p31.3.
Variant type: Insertion.
Coding change: c.484_485insA on transcript NM_013339.4 (MANE Select); coding-DNA positions 484 to 485, A inserted.
Protein change: p.Gly162fs; shifts the reading frame from glycine 162.
Molecular consequence: frameshift variant.
Genome position: GRCh38 VCF-style: chr1-63407116-G-GA. GRCh37 (hg19) VCF-style: chr1-63872787-G-GA.
Other names: short protein forms G162fs.
Identifiers: ClinVar variation 1453538 (VCV001453538.6), dbSNP rs2100417620, ClinGen allele CA2573132535.